The following is an entry in ClinVar:

NM_021973.3(HAND2):c.247del (p.Val83fs)

Genes: HAND2 (heart and neural crest derivatives expressed 2; minus strand), HAND2-AS1 (HAND2 antisense RNA 1; plus strand). Cytogenetic location: 4q34.1.
Variant type: Deletion.
Coding change: c.247del on transcript NM_021973.3 (MANE Select); coding-DNA position 247, one base deleted (G; older notation c.247delG).
Protein change: p.Val83fs; shifts the reading frame from valine 83.
Molecular consequence: frameshift variant.
Genome position (GRCh38, 1-based): chr4:173,529,043, C deleted on the plus strand (G on the coding strand, the reverse complement: HAND2 is on the minus strand); the first of 7 consecutive C bases (chr4:173,529,043-173,529,049); deleting any one gives the same sequence. VCF-style (leftmost placement, unchanged base first): chr4-173529042-AC-A. GRCh37 (hg19) VCF-style: chr4-174450193-AC-A.
Other names: short protein forms V83fs.
Identifiers: ClinVar variation 4988254 (VCV004988254.1).

ClinVar aggregate classification (germline): Uncertain significance (1 of 4 stars; one submission).

Conditions:
HAND2-related disorder. Also called: HAND2-related condition.

Submission:

PreventionGenetics, part of Exact Sciences
Classification: Uncertain significance for HAND2-related condition. Last evaluated: 2026-01-29. Review status: criteria provided, single submitter. Criteria: ACMG Guidelines, 2015. Collection method: clinical testing. Allele origin: germline.
Comment: The HAND2 c.247delG variant is predicted to result in a frameshift and premature protein termination (p.Val83Cysfs*16). To our knowledge, this variant has not been reported in the literature. This variant is reported in 0.040% of alleles in individuals of Ashkenazi Jewish descent in gnomAD. Loss-of-function has not been established as a disease mechanism for this gene, and therefore the clinical significance of this variant is currently uncertain due to the absence of conclusive functional and genetic evidence.